The following is an entry in ClinVar:

ClinVar aggregate classification (germline): Uncertain significance (1 of 4 stars; one submission).

Submission:

GeneDx
Classification: Uncertain significance. Last evaluated: 2023-04-05. Review status: criteria provided, single submitter. Criteria: GeneDx Variant Classification Process June 2021. Collection method: clinical testing. Allele origin: germline. Affected: yes.
Comment: Not observed in large population cohorts (gnomAD); In silico analysis supports that this missense variant has a deleterious effect on protein structure/function; Has not been previously published as pathogenic or benign to our knowledge

NM_005120.3(MED12):c.4354G>C (p.Glu1452Gln)

Gene: MED12 (mediator complex subunit 12; plus strand). Cytogenetic location: Xq13.1.
Variant type: single nucleotide variant.
Coding change: c.4354G>C on transcript NM_005120.3 (MANE Select); coding-DNA position 4354, G replaced by C.
Protein change: p.Glu1452Gln; replaces glutamic acid 1452 with glutamine.
Molecular consequence: missense variant.
Genome position (GRCh38, 1-based): chrX:71,132,477, G>C. VCF-style: chrX-71132477-G-C. GRCh37 (hg19) VCF-style: chrX-70352327-G-C.
Other names: short protein forms E1452Q.
Identifiers: ClinVar variation 1313824 (VCV001313824.4), dbSNP rs2147814607, ClinGen allele CA413526599.